The following is an entry in ClinVar:

NM_000135.4(FANCA):c.4088A>T (p.Lys1363Met)

Genes: FANCA (FA complementation group A; minus strand), ZNF276 (zinc finger protein 276; plus strand). Cytogenetic location: 16q24.3.
Variant type: single nucleotide variant.
Coding change: c.4088A>T on transcript NM_000135.4 (MANE Select); coding-DNA position 4088, A replaced by T.
Protein change: p.Lys1363Met; replaces lysine 1363 with methionine.
Molecular consequence: missense variant. On other transcripts: 3 prime UTR variant (2), non-coding transcript variant (4).
Genome position (GRCh38, 1-based): chr16:89,739,212, T>A on the plus strand (A>T on the coding strand, the complement: FANCA is on the minus strand). VCF-style: chr16-89739212-T-A. GRCh37 (hg19) VCF-style: chr16-89805620-T-A.
Other names: c.4088A>T, p.Lys1363Met (NM_001286167.3); c.*966T>A (NM_001113525.2, NM_152287.4); short protein forms K1363M.
Identifiers: ClinVar variation 4254275 (VCV004254275.1).

ClinVar aggregate classification (germline): Uncertain significance (1 of 4 stars; one submission).

Conditions:
Inborn genetic diseases. Identifiers: MedGen C0950123, MeSH D030342.

Submission:

Ambry Genetics
Classification: Uncertain significance for Inborn genetic diseases. Last evaluated: 2025-08-09. Review status: criteria provided, single submitter. Criteria: Ambry Variant Classification Scheme 2023. Collection method: clinical testing. Allele origin: germline.
Comment: The p.K1363M variant (also known as c.4088A>T), located in coding exon 41 of the FANCA gene, results from an A to T substitution at nucleotide position 4088. The lysine at codon 1363 is replaced by methionine, an amino acid with similar properties. This amino acid position is conserved. In addition, the in silico prediction for this alteration is inconclusive. Based on the available evidence, the clinical significance of this variant remains unclear.